The following is an entry in ClinVar:

NM_020297.4(ABCC9):c.2081G>A (p.Arg694Gln)

Gene: ABCC9 (ATP binding cassette subfamily C member 9; minus strand). Cytogenetic location: 12p12.1.
Variant type: single nucleotide variant.
Coding change: c.2081G>A on transcript NM_020297.4 (MANE Select); coding-DNA position 2081, G replaced by A.
Protein change: p.Arg694Gln; replaces arginine 694 with glutamine.
Molecular consequence: missense variant.
Genome position (GRCh38, 1-based): chr12:21,875,665, C>T on the plus strand (G>A on the coding strand, the complement: ABCC9 is on the minus strand). VCF-style: chr12-21875665-C-T. GRCh37 (hg19) VCF-style: chr12-22028599-C-T.
Other names: c.2081G>A, p.Arg694Gln (NM_001377273.1, NM_005691.4); c.1217G>A, p.Arg406Gln (NM_001377274.1); short protein forms R694Q, R406Q.
Identifiers: ClinVar variation 45398 (VCV000045398.12), dbSNP rs267603424, ClinGen allele CA136250.

ClinVar aggregate classification (germline): Conflicting classifications of pathogenicity. Review status: criteria provided, conflicting classifications (1 of 4 stars). 3 submissions from 3 submitters: Uncertain significance (1); Benign (1); Likely benign (1). Last evaluated 2025-10-17.

Conditions:
Cardiovascular phenotype. Identifiers: MedGen CN230736.
Dilated cardiomyopathy 1O (CMD1O). Also called: CARDIOMYOPATHY, DILATED, WITH VENTRICULAR TACHYCARDIA. Identifiers: Orphanet 154, MedGen C1837839, MONDO:0012062, OMIM 608569.

Allele frequency attached by ClinVar (database versions not stated): gnomAD 0.00001 and 0.00005; TOPMed 0.00002; gnomAD exomes 0.00011; ExAC 0.00017.
gnomAD v4.1: 77 of 1,610,782 alleles (0.0048%); highest among the groups gnomAD compares: South Asian, 0.057%; no homozygotes.

Submissions (3):

Labcorp Genetics (formerly Invitae), Labcorp
Classification: Likely benign for Dilated cardiomyopathy 1O. Last evaluated: 2025-10-17. Review status: criteria provided, single submitter. Criteria: Invitae Variant Classification Sherloc (09022015). Collection method: clinical testing. Allele origin: germline.

Ambry Genetics
Classification: Benign for Cardiovascular phenotype. Last evaluated: 2024-06-11. Review status: criteria provided, single submitter. Criteria: Ambry Variant Classification Scheme 2023. Collection method: clinical testing. Allele origin: germline.

Laboratory for Molecular Medicine, Mass General Brigham Personalized Medicine
Classification: Uncertain significance. Last evaluated: 2012-04-17. Review status: criteria provided, single submitter. Criteria: LMM Criteria. Collection method: clinical testing. Allele origin: germline. Observed: 1 variant allele.
Comment: Variant classified as Uncertain Significance - Favor Benign. The Arg694Gln varia nt (ABCC9) has not been reported in the literature nor previously identified by our laboratory. Arginine (Arg) at position 694 is not conserved in mammals, and rhesus monkey has a glutamine (Gln; this variant) at this position, suggesting t he Arg694Gln variant may be tolerated. Computational analyses (biochemical amino acid properties, AlignGVGD, PolyPhen2, and SIFT) do not provide strong support for or against an impact to the protein. Although the lack of conservation in ma mmals supports that the Arg694Gln variant may be benign, additional studies are needed to fully assess its clinical significance.